The following is an entry in ClinVar:

NM_001365536.1(SCN9A):c.626A>G (p.Asn209Ser)

Gene: SCN9A (sodium voltage-gated channel alpha subunit 9; minus strand). Cytogenetic location: 2q24.3.
Variant type: single nucleotide variant.
Coding change: c.626A>G on transcript NM_001365536.1 (MANE Select); coding-DNA position 626, A replaced by G.
Protein change: p.Asn209Ser; replaces asparagine 209 with serine.
Molecular consequence: missense variant.
Genome position (GRCh38, 1-based): chr2:166,304,300, T>C on the plus strand (A>G on the coding strand, the complement: SCN9A is on the minus strand). VCF-style: chr2-166304300-T-C. GRCh37 (hg19) VCF-style: chr2-167160810-T-C.
Other names: c.626A>G, p.Asn209Ser (NM_002977.4); short protein forms N209S.
Identifiers: ClinVar variation 957269 (VCV000957269.10), dbSNP rs1698680165, ClinGen allele CA349094279.

ClinVar aggregate classification (germline): Uncertain significance (1 of 4 stars; one submission).

Conditions:
Generalized epilepsy with febrile seizures plus, type 7 (GEFSP7). Also called: GEFS+, TYPE 7. Identifiers: Orphanet 36387, MedGen C2751778, MONDO:0013470, OMIM 613863.
Neuropathy, hereditary sensory and autonomic, type 2A (HSAN2A). Also called: HSAN IIA; ACROOSTEOLYSIS, GIACCAI TYPE; ACROOSTEOLYSIS, NEUROGENIC; WNK1-Related HSAN2 (HSAN2A); MORVAN DISEASE; NEUROPATHY, CONGENITAL SENSORY. Identifiers: Orphanet 970, MedGen C2752089, MONDO:0024309, OMIM 201300.

Allele frequency attached by ClinVar (database versions not stated): gnomAD exomes below 0.00001.
gnomAD v4.1: 1 of 1,613,430 alleles (0.000062%); highest among the groups gnomAD compares: Non-Finnish European, 0.000085%; no homozygotes.

Submission:

Labcorp Genetics (formerly Invitae), Labcorp
Classification: Uncertain significance for Neuropathy, hereditary sensory and autonomic, type 2A; Generalized epilepsy with febrile seizures plus, type 7. Last evaluated: 2025-06-11. Review status: criteria provided, single submitter. Criteria: Invitae Variant Classification Sherloc (09022015). Collection method: clinical testing. Allele origin: germline.
Comment: This sequence change replaces asparagine, which is neutral and polar, with serine, which is neutral and polar, at codon 209 of the SCN9A protein (p.Asn209Ser). This variant is not present in population databases (gnomAD no frequency). This variant has not been reported in the literature in individuals affected with SCN9A-related conditions. ClinVar contains an entry for this variant (Variation ID: 957269). Invitae Evidence Modeling of protein sequence and biophysical properties (such as structural, functional, and spatial information, amino acid conservation, physicochemical variation, residue mobility, and thermodynamic stability) indicates that this missense variant is not expected to disrupt SCN9A protein function with a negative predictive value of 95%. In summary, the available evidence is currently insufficient to determine the role of this variant in disease. Therefore, it has been classified as a Variant of Uncertain Significance.